The following is an entry in ClinVar:

NM_001033855.3(DCLRE1C):c.780+5G>A

Gene: DCLRE1C (DNA cross-link repair 1C; minus strand). Cytogenetic location: 10p13.
Variant type: single nucleotide variant.
Coding change: c.780+5G>A on transcript NM_001033855.3 (MANE Select); 5 bases into the intron after coding-DNA position 780, G replaced by A.
Molecular consequence: intron variant.
Genome position (GRCh38, 1-based): chr10:14,932,849, C>T on the plus strand (G>A on the coding strand, the complement: DCLRE1C is on the minus strand). VCF-style: chr10-14932849-C-T. GRCh37 (hg19) VCF-style: chr10-14974848-C-T.
Other names: c.435+5G>A (NM_001350966.2, NM_001289078.2, NM_001289076.2 and 1 more transcripts); c.780+5G>A (NM_001350965.2); c.420+5G>A (NM_001350967.2, NM_001289077.2, NM_001289079.2 and 2 more transcripts).
Identifiers: ClinVar variation 879592 (VCV000879592.7), dbSNP rs1392493001, ClinGen allele CA592107201.
Genomic context (GRCh38, chr10:14,932,849, plus strand): 5'-CCCTGACCTTTCTTCTTTTTCATAGATTACACAAACAATACGAGAGGAATCACTTGCACA[C>T]GTACCTTGGGATGCCGGCATGCATGGATCTGAGTGTTGCGGTCTGTTGTGAGATGATGAA-3'

ClinVar aggregate classification (germline): Uncertain significance. Review status: criteria provided, multiple submitters, no conflicts (2 of 4 stars). 3 submissions from 3 submitters: Uncertain significance (2). 1 of the submissions does not count toward it. Last evaluated 2020-03-09.

Conditions:
Athabaskan severe combined immunodeficiency (SCIDA). Also called: Severe combined immunodeficiency, athabascan-type. Identifiers: MedGen C1865370.
Histiocytic medullary reticulosis. Also called: SEVERE COMBINED IMMUNODEFICIENCY WITH HYPEREOSINOPHILIA; Omenn syndrome. Identifiers: Orphanet 39041, MedGen C2700553, MONDO:0011338, OMIM 603554.
Severe combined immunodeficiency due to DCLRE1C deficiency (RS-SCID). Also called: SCID, AUTOSOMAL RECESSIVE, T CELL-NEGATIVE, B CELL-NEGATIVE, NK CELL-POSITIVE, WITH SENSITIVITY TO IONIZING RADIATION. Identifiers: Orphanet 275, MedGen C1865371, MONDO:0011225, OMIM 602450.

Allele frequency attached by ClinVar (database versions not stated): gnomAD 0.00001; TOPMed 0.00001.
gnomAD v4.1: 31 of 1,614,014 alleles (0.0019%); highest among the groups gnomAD compares: African/African-American, 0.004%; no homozygotes.

Submissions (3):

Labcorp Genetics (formerly Invitae), Labcorp
Classification: Uncertain significance for Athabaskan severe combined immunodeficiency. Last evaluated: 2020-03-09. Review status: criteria provided, single submitter. Criteria: Invitae Variant Classification Sherloc (09022015). Collection method: clinical testing. Allele origin: germline.
Comment: This sequence change falls in intron 9 of the DCLRE1C gene. It does not directly change the encoded amino acid sequence of the DCLRE1C protein, but it affects a nucleotide within the consensus splice site of the intron. This variant is not present in population databases (ExAC no frequency). This variant has not been reported in the literature in individuals with DCLRE1C-related conditions. Nucleotide substitutions within the consensus splice site are a relatively common cause of aberrant splicing (PMID: 17576681, 9536098). Algorithms developed to predict the effect of sequence changes on RNA splicing suggest that this variant may disrupt the consensus splice site, but this prediction has not been confirmed by published transcriptional studies. In summary, the available evidence is currently insufficient to determine the role of this variant in disease. Therefore, it has been classified as a Variant of Uncertain Significance.

Illumina Laboratory Services, Illumina
Classification: Uncertain significance for Histiocytic medullary reticulosis. Last evaluated: 2018-03-02. Review status: criteria provided, single submitter. Criteria: ICSL Variant Classification Criteria 13 December 2019. Collection method: clinical testing. Allele origin: germline.

Natera, Inc.
Classification: Uncertain significance for Athabascan severe combined immunodeficiency. Last evaluated: 2020-08-14. Review status: no assertion criteria provided. Collection method: clinical testing. Allele origin: germline. Not counted in ClinVar's aggregate classification.

Literature cited by the submitters: PubMed 17576681 (cited by Labcorp Genetics (formerly Invitae), Labcorp); PubMed 9536098 (cited by Labcorp Genetics (formerly Invitae), Labcorp).